The following is an entry in ClinVar:

NM_002693.3(POLG):c.3142G>T (p.Ala1048Ser)

Gene: POLG (DNA polymerase gamma, catalytic subunit; minus strand). Cytogenetic location: 15q26.1.
Variant type: single nucleotide variant.
Coding change: c.3142G>T on transcript NM_002693.3 (MANE Select); coding-DNA position 3142, G replaced by T.
Protein change: p.Ala1048Ser; replaces alanine 1048 with serine.
Molecular consequence: missense variant.
Genome position (GRCh38, 1-based): chr15:89,319,062, C>A on the plus strand (G>T on the coding strand, the complement: POLG is on the minus strand). VCF-style: chr15-89319062-C-A. GRCh37 (hg19) VCF-style: chr15-89862293-C-A.
Other names: c.3142G>T, p.Ala1048Ser (NM_001126131.2); short protein forms A1048S.
Identifiers: ClinVar variation 1373134 (VCV001373134.6), dbSNP rs762244296, ClinGen allele CA393751055.

ClinVar aggregate classification (germline): Uncertain significance (1 of 4 stars; one submission).

Conditions:
Progressive sclerosing poliodystrophy (MTDPS4A). Also called: Mitochondrial DNA depletion syndrome 4A (Alpers type); ALPERS PROGRESSIVE INFANTILE POLIODYSTROPHY; NEURONAL DEGENERATION OF CHILDHOOD WITH LIVER DISEASE, PROGRESSIVE; Mitochondrial DNA Depletion Syndrome 4A; Alpers-Huttenlocher Syndrome (AHS); Alpers Syndrome. Identifiers: Orphanet 726, MedGen C0205710, MONDO:0008758, OMIM 203700.

gnomAD v4.1: 2 of 1,614,172 alleles (0.00012%); highest among the groups gnomAD compares: Middle Eastern, 0.017%; no homozygotes.

Submission:

Labcorp Genetics (formerly Invitae), Labcorp
Classification: Uncertain significance for Progressive sclerosing poliodystrophy. Last evaluated: 2021-08-07. Review status: criteria provided, single submitter. Criteria: Invitae Variant Classification Sherloc (09022015). Collection method: clinical testing. Allele origin: germline.
Comment: This sequence change replaces alanine with serine at codon 1048 of the POLG protein (p.Ala1048Ser). The alanine residue is weakly conserved and there is a moderate physicochemical difference between alanine and serine. This variant is not present in population databases (ExAC no frequency). This variant has not been reported in the literature in individuals affected with POLG-related conditions. Algorithms developed to predict the effect of missense changes on protein structure and function are either unavailable or do not agree on the potential impact of this missense change (SIFT: "Tolerated"; PolyPhen-2: "Possibly Damaging"; Align-GVGD: "Class C0"). In summary, the available evidence is currently insufficient to determine the role of this variant in disease. Therefore, it has been classified as a Variant of Uncertain Significance.